The following is an entry in ClinVar:

ClinVar aggregate classification (germline): Uncertain significance (1 of 4 stars; one submission).

gnomAD v4.1: 51 of 1,614,202 alleles (0.0032%); highest among the groups gnomAD compares: South Asian, 0.056%; 2 homozygotes.

Submission:

Labcorp Genetics (formerly Invitae), Labcorp
Classification: Uncertain significance. Last evaluated: 2022-07-30. Review status: criteria provided, single submitter. Criteria: Invitae Variant Classification Sherloc (09022015). Collection method: clinical testing. Allele origin: germline.
Comment: This sequence change replaces glutamic acid, which is acidic and polar, with glutamine, which is neutral and polar, at codon 1610 of the MCM3AP protein (p.Glu1610Gln). This variant is present in population databases (rs562096694, gnomAD 0.05%). This variant has not been reported in the literature in individuals affected with MCM3AP-related conditions. Algorithms developed to predict the effect of missense changes on protein structure and function are either unavailable or do not agree on the potential impact of this missense change (SIFT: "Deleterious"; PolyPhen-2: "Probably Damaging"; Align-GVGD: "Class C0"). In summary, the available evidence is currently insufficient to determine the role of this variant in disease. Therefore, it has been classified as a Variant of Uncertain Significance.

NM_003906.5(MCM3AP):c.4828G>C (p.Glu1610Gln)

Genes: MCM3AP (minichromosome maintenance complex component 3 associated protein; minus strand), MCM3AP-AS1 (MCM3AP antisense RNA 1; plus strand). Cytogenetic location: 21q22.3.
Variant type: single nucleotide variant.
Coding change: c.4828G>C on transcript NM_003906.5 (MANE Select); coding-DNA position 4828, G replaced by C.
Protein change: p.Glu1610Gln; replaces glutamic acid 1610 with glutamine.
Molecular consequence: missense variant.
Genome position (GRCh38, 1-based): chr21:46,245,017, C>G on the plus strand (G>C on the coding strand, the complement: MCM3AP is on the minus strand). VCF-style: chr21-46245017-C-G. GRCh37 (hg19) VCF-style: chr21-47664931-C-G.
Other names: short protein forms E1610Q.
Identifiers: ClinVar variation 1942421 (VCV001942421.2), dbSNP rs562096694, ClinGen allele CA10076001.